The following is an entry in ClinVar:

NM_015346.4(ZFYVE26):c.476A>G (p.Asp159Gly)

Gene: ZFYVE26 (zinc finger FYVE-type containing 26; minus strand). Cytogenetic location: 14q24.1.
Variant type: single nucleotide variant.
Coding change: c.476A>G on transcript NM_015346.4 (MANE Select); coding-DNA position 476, A replaced by G.
Protein change: p.Asp159Gly; replaces aspartic acid 159 with glycine.
Molecular consequence: missense variant.
Genome position (GRCh38, 1-based): chr14:67,807,808, T>C on the plus strand (A>G on the coding strand, the complement: ZFYVE26 is on the minus strand). VCF-style: chr14-67807808-T-C. GRCh37 (hg19) VCF-style: chr14-68274525-T-C.
Other names: short protein forms D159G.
Identifiers: ClinVar variation 1406360 (VCV001406360.5), dbSNP rs1385627000, ClinGen allele CA390162145.

ClinVar aggregate classification (germline): Uncertain significance (1 of 4 stars; one submission).

Conditions:
Spastic paraplegia. Identifiers: MedGen C0037772, HP:0001258.

Allele frequency attached by ClinVar (database versions not stated): gnomAD exomes below 0.00001; TOPMed below 0.00001; gnomAD 0.00001.
gnomAD v4.1: 8 of 1,613,894 alleles (0.0005%); highest among the groups gnomAD compares: East Asian, 0.0067%; no homozygotes.

Submission:

Labcorp Genetics (formerly Invitae), Labcorp
Classification: Uncertain significance for Spastic paraplegia. Last evaluated: 2021-09-17. Review status: criteria provided, single submitter. Criteria: Invitae Variant Classification Sherloc (09022015). Collection method: clinical testing. Allele origin: germline.
Comment: This sequence change replaces aspartic acid with glycine at codon 159 of the ZFYVE26 protein (p.Asp159Gly). The aspartic acid residue is moderately conserved and there is a moderate physicochemical difference between aspartic acid and glycine. This variant is not present in population databases (ExAC no frequency). This variant has been observed in individual(s) with hereditary spastic paraplegia (Invitae). Algorithms developed to predict the effect of missense changes on protein structure and function are either unavailable or do not agree on the potential impact of this missense change (SIFT: "Tolerated"; PolyPhen-2: "Possibly Damaging"; Align-GVGD: "Class C0"). In summary, the available evidence is currently insufficient to determine the role of this variant in disease. Therefore, it has been classified as a Variant of Uncertain Significance.